The following is an entry in ClinVar:

NM_020433.5(JPH2):c.1315C>T (p.Leu439=)

Gene: JPH2 (junctophilin 2; minus strand). Cytogenetic location: 20q13.12.
Variant type: single nucleotide variant.
Coding change: c.1315C>T on transcript NM_020433.5 (MANE Select); coding-DNA position 1315, C replaced by T.
Protein change: p.Leu439=; no amino-acid change (leucine 439 retained).
Molecular consequence: synonymous variant.
Genome position (GRCh38, 1-based): chr20:44,116,360, G>A on the plus strand (C>T on the coding strand, the complement: JPH2 is on the minus strand). VCF-style: chr20-44116360-G-A. GRCh37 (hg19) VCF-style: chr20-42745000-G-A.
Identifiers: ClinVar variation 4843089 (VCV004843089.1).

ClinVar aggregate classification (germline): Uncertain significance (1 of 4 stars; one submission).

Conditions:
Cardiovascular phenotype. Identifiers: MedGen CN230736.

Submission:

Ambry Genetics
Classification: Uncertain significance for Cardiovascular phenotype. Last evaluated: 2025-12-29. Review status: criteria provided, single submitter. Criteria: Ambry Variant Classification Scheme 2023. Collection method: clinical testing. Allele origin: germline.
Comment: The c.1315C>T variant (also known as p.L439L), located in coding exon 4 of the JPH2 gene, results from a C to T substitution at nucleotide position 1315. This nucleotide substitution does not change the amino acid at codon 439. This nucleotide position is well conserved in available vertebrate species. In silico splice site analysis for this alteration is inconclusive. Based on the available evidence, the clinical significance of this variant remains unclear.